The following is an entry in ClinVar:

ClinVar aggregate classification (germline): Uncertain significance (1 of 4 stars; one submission).

Conditions:
Gastrointestinal stromal tumor. Also called: Gastrointestinal stroma tumor; Gastrointestinal stromal tumor, somatic. Identifiers: Orphanet 44890, MedGen C0238198, MeSH D046152, MONDO:0011719, OMIM 606764, HP:0100723.

Allele frequency attached by ClinVar (database versions not stated): gnomAD exomes below 0.00001; TOPMed below 0.00001.

Submission:

Labcorp Genetics (formerly Invitae), Labcorp
Classification: Uncertain significance for Gastrointestinal stromal tumor. Last evaluated: 2024-03-14. Review status: criteria provided, single submitter. Criteria: Invitae Variant Classification Sherloc (09022015). Collection method: clinical testing. Allele origin: germline.
Comment: This sequence change replaces valine, which is neutral and non-polar, with methionine, which is neutral and non-polar, at codon 69 of the PDGFRA protein (p.Val69Met). This variant is present in population databases (no rsID available, gnomAD 0.003%). This variant has not been reported in the literature in individuals affected with PDGFRA-related conditions. ClinVar contains an entry for this variant (Variation ID: 528622). An algorithm developed to predict the effect of missense changes on protein structure and function (PolyPhen-2) suggests that this variant is likely to be disruptive. In summary, the available evidence is currently insufficient to determine the role of this variant in disease. Therefore, it has been classified as a Variant of Uncertain Significance.

NM_006206.6(PDGFRA):c.205G>A (p.Val69Met)

Gene: PDGFRA (platelet derived growth factor receptor alpha; plus strand). Cytogenetic location: 4q12.
Variant type: single nucleotide variant.
Coding change: c.205G>A on transcript NM_006206.6 (MANE Select); coding-DNA position 205, G replaced by A.
Protein change: p.Val69Met; replaces valine 69 with methionine.
Molecular consequence: missense variant.
Genome position (GRCh38, 1-based): chr4:54,261,250, G>A. VCF-style: chr4-54261250-G-A. GRCh37 (hg19) VCF-style: chr4-55127417-G-A.
Other names: c.205G>A, p.Val69Met (NM_001347827.2, NM_001347829.2); c.280G>A, p.Val94Met (NM_001347828.2); c.244G>A, p.Val82Met (NM_001347830.2); short protein forms V69M, V82M, V94M.
Identifiers: ClinVar variation 528622 (VCV000528622.9), dbSNP rs1363843815, ClinGen allele CA356888486.